The following is an entry in ClinVar:

ClinVar aggregate classification (germline): Likely pathogenic (1 of 4 stars; one submission).

Conditions:
Nephronophthisis. Also called: Juvenile Nephronophthisis. Identifiers: Orphanet 655, MedGen C0687120, MONDO:0019005, HP:0000090.

Submission:

Labcorp Genetics (formerly Invitae), Labcorp
Classification: Likely pathogenic for Nephronophthisis. Last evaluated: 2024-07-16. Review status: criteria provided, single submitter. Criteria: Invitae Variant Classification Sherloc (09022015). Collection method: clinical testing. Allele origin: germline.
Comment: This sequence change affects a donor splice site in intron 4 of the NPHP3 gene. It is expected to disrupt RNA splicing. Variants that disrupt the donor or acceptor splice site typically lead to a loss of protein function (PMID: 16199547), and loss-of-function variants in NPHP3 are known to be pathogenic (PMID: 18371931, 23559409). This variant is present in population databases (rs200266796, gnomAD 0.006%). This variant has not been reported in the literature in individuals affected with NPHP3-related conditions. Algorithms developed to predict the effect of sequence changes on RNA splicing suggest that this variant may disrupt the consensus splice site. In summary, the currently available evidence indicates that the variant is pathogenic, but additional data are needed to prove that conclusively. Therefore, this variant has been classified as Likely Pathogenic.

Literature cited by the submitters: PubMed 16199547; PubMed 18371931; PubMed 23559409.

NM_153240.5(NPHP3):c.823+1G>A

Genes: NPHP3 (nephrocystin 3; minus strand), NPHP3-ACAD11 (NPHP3-ACAD11 readthrough (NMD candidate); minus strand). Cytogenetic location: 3q22.1.
Variant type: single nucleotide variant.
Coding change: c.823+1G>A on transcript NM_153240.5 (MANE Select); the canonical splice donor site of the intron after coding-DNA position 823, G replaced by A.
Molecular consequence: splice donor variant.
Genome position (GRCh38, 1-based): chr3:132,716,756, C>T on the plus strand (G>A on the coding strand, the complement: NPHP3 is on the minus strand). VCF-style: chr3-132716756-C-T. GRCh37 (hg19) VCF-style: chr3-132435600-C-T.
Identifiers: ClinVar variation 3718538 (VCV003718538.2).